The following is an entry in ClinVar:

NM_014956.5(CEP164):c.547A>C (p.Met183Leu)

Gene: CEP164 (centrosomal protein 164; plus strand). Cytogenetic location: 11q23.3.
Variant type: single nucleotide variant.
Coding change: c.547A>C on transcript NM_014956.5 (MANE Select); coding-DNA position 547, A replaced by C.
Protein change: p.Met183Leu; replaces methionine 183 with leucine.
Molecular consequence: missense variant.
Genome position (GRCh38, 1-based): chr11:117,361,988, A>C. VCF-style: chr11-117361988-A-C. GRCh37 (hg19) VCF-style: chr11-117232704-A-C.
Other names: c.547A>C, p.Met183Leu (NM_001271933.2); short protein forms M183L.
Identifiers: ClinVar variation 1447039 (VCV001447039.5), dbSNP rs749917447, ClinGen allele CA382731111.

ClinVar aggregate classification (germline): Uncertain significance (1 of 4 stars; one submission).

Conditions:
Nephronophthisis 15 (NPHP15). Identifiers: Orphanet 3156, MedGen C3541853, MONDO:0013917, OMIM 614845.

Submission:

Labcorp Genetics (formerly Invitae), Labcorp
Classification: Uncertain significance for Nephronophthisis 15. Last evaluated: 2023-11-27. Review status: criteria provided, single submitter. Criteria: Invitae Variant Classification Sherloc (09022015). Collection method: clinical testing. Allele origin: germline.
Comment: This sequence change replaces methionine, which is neutral and non-polar, with leucine, which is neutral and non-polar, at codon 183 of the CEP164 protein (p.Met183Leu). This variant is not present in population databases (gnomAD no frequency). This variant has not been reported in the literature in individuals affected with CEP164-related conditions. ClinVar contains an entry for this variant (Variation ID: 1447039). Algorithms developed to predict the effect of missense changes on protein structure and function output the following: SIFT: "Not Available"; PolyPhen-2: "Benign"; Align-GVGD: "Not Available". The leucine amino acid residue is found in multiple mammalian species, which suggests that this missense change does not adversely affect protein function. In summary, the available evidence is currently insufficient to determine the role of this variant in disease. Therefore, it has been classified as a Variant of Uncertain Significance.